The following is an entry in ClinVar:

NM_024306.5(FA2H):c.17C>T (p.Pro6Leu)

Genes: FA2H (fatty acid 2-hydroxylase; minus strand), LOC130059394 (ATAC-STARR-seq lymphoblastoid silent region 7701; plus strand). Cytogenetic location: 16q23.1.
Variant type: single nucleotide variant.
Coding change: c.17C>T on transcript NM_024306.5 (MANE Select); coding-DNA position 17, C replaced by T.
Protein change: p.Pro6Leu; replaces proline 6 with leucine.
Molecular consequence: missense variant.
Genome position (GRCh38, 1-based): chr16:74,774,739, G>A on the plus strand (C>T on the coding strand, the complement: FA2H is on the minus strand). VCF-style: chr16-74774739-G-A. GRCh37 (hg19) VCF-style: chr16-74808637-G-A.
Other names: short protein forms P6L.
Identifiers: ClinVar variation 1396748 (VCV001396748.5), dbSNP rs1018191043, ClinGen allele CA283770165.
Genomic context (GRCh38, chr16:74,774,739, plus strand): 5'-CAGCACGCGCCGGCCGCCAGGCGCCGCTGGACCTCGGAGGGCGAGAAGGAGGCGGCGGGG[G>A]GCGGAGCGGGGGCCATGGCCGGAGACCGCAGCTCCCAGCGCGCAGCCCGGCGTCTGCTCT-3'
Protein context (NP_077282.3, residues 1-16): MAPAP[Pro6Leu]PAASFSPSEV

ClinVar aggregate classification (germline): Uncertain significance (1 of 4 stars; one submission).

Conditions:
Spastic paraplegia. Identifiers: MedGen C0037772, HP:0001258.

Allele frequency attached by ClinVar (database versions not stated): TOPMed below 0.00001; gnomAD 0.00001.

Submission:

Labcorp Genetics (formerly Invitae), Labcorp
Classification: Uncertain significance for Spastic paraplegia. Last evaluated: 2022-08-21. Review status: criteria provided, single submitter. Criteria: Invitae Variant Classification Sherloc (09022015). Collection method: clinical testing. Allele origin: germline.
Comment: This sequence change replaces proline, which is neutral and non-polar, with leucine, which is neutral and non-polar, at codon 6 of the FA2H protein (p.Pro6Leu). This variant is not present in population databases (gnomAD no frequency). This variant has not been reported in the literature in individuals affected with FA2H-related conditions. ClinVar contains an entry for this variant (Variation ID: 1396748). Advanced modeling of protein sequence and biophysical properties (such as structural, functional, and spatial information, amino acid conservation, physicochemical variation, residue mobility, and thermodynamic stability) performed at Invitae indicates that this missense variant is not expected to disrupt FA2H protein function. In summary, the available evidence is currently insufficient to determine the role of this variant in disease. Therefore, it has been classified as a Variant of Uncertain Significance.